The following is an entry in ClinVar:

ClinVar aggregate classification (germline): Uncertain significance. Review status: criteria provided, multiple submitters, no conflicts (2 of 4 stars). 3 submissions from 3 submitters: Uncertain significance (3). Last evaluated 2025-03-31.

Conditions:
Erythrocytosis, familial, 3 (ECYT3). Identifiers: Orphanet 247511, MedGen C1853286, MONDO:0012353, OMIM 609820.
Hemoglobin, high altitude adaptation (HALAH). Identifiers: MedGen C1836778, OMIM 609070.

Allele frequency attached by ClinVar (database versions not stated): gnomAD exomes 0.00003; ExAC 0.00007; gnomAD 0.00013 and 0.00014; TOPMed 0.00013; 1000 Genomes Project 30x 0.00047.

Submissions (3):

Labcorp Genetics (formerly Invitae), Labcorp
Classification: Uncertain significance for Erythrocytosis, familial, 3. Last evaluated: 2025-03-31. Review status: criteria provided, single submitter. Criteria: Invitae Variant Classification Sherloc (09022015). Collection method: clinical testing. Allele origin: germline.
Comment: This sequence change replaces serine, which is neutral and polar, with asparagine, which is neutral and polar, at codon 14 of the EGLN1 protein (p.Ser14Asn). The frequency data for this variant in the population databases is considered unreliable, as metrics indicate poor data quality at this position in the gnomAD database. This variant has not been reported in the literature in individuals affected with EGLN1-related conditions. ClinVar contains an entry for this variant (Variation ID: 1416707). An algorithm developed to predict the effect of missense changes on protein structure and function (PolyPhen-2) suggests that this variant is likely to be tolerated. In summary, the available evidence is currently insufficient to determine the role of this variant in disease. Therefore, it has been classified as a Variant of Uncertain Significance.

Fulgent Genetics
Classification: Uncertain significance for Hemoglobin, high altitude adaptation; Erythrocytosis, familial, 3. Last evaluated: 2022-02-02. Review status: criteria provided, single submitter. Criteria: ACMG Guidelines, 2015. Collection method: clinical testing. Allele origin: unknown.

Revvity Omics, Revvity
Classification: Uncertain significance. Last evaluated: 2020-09-08. Review status: criteria provided, single submitter. Criteria: ACMG Guidelines, 2015. Collection method: clinical testing. Allele origin: germline.

NM_022051.3(EGLN1):c.41G>A (p.Ser14Asn)

Gene: EGLN1 (egl-9 family hypoxia inducible factor 1; minus strand). Cytogenetic location: 1q42.2.
Variant type: single nucleotide variant.
Coding change: c.41G>A on transcript NM_022051.3 (MANE Select); coding-DNA position 41, G replaced by A.
Protein change: p.Ser14Asn; replaces serine 14 with asparagine.
Molecular consequence: missense variant.
Genome position (GRCh38, 1-based): chr1:231,421,848, C>T on the plus strand (G>A on the coding strand, the complement: EGLN1 is on the minus strand). VCF-style: chr1-231421848-C-T. GRCh37 (hg19) VCF-style: chr1-231557594-C-T.
Other names: c.41G>A, p.Ser14Asn (NM_001377260.1, NM_001377261.1); c.41G>A (NM_022051.2); short protein forms S14N.
Identifiers: ClinVar variation 1416707 (VCV001416707.9), dbSNP rs761497751, ClinGen allele CA1453213.